The following is an entry in ClinVar:

NM_015164.4(PLEKHM2):c.2458A>C (p.Asn820His)

Gene: PLEKHM2 (pleckstrin homology and RUN domain containing M2; plus strand). Cytogenetic location: 1p36.21.
Variant type: single nucleotide variant.
Coding change: c.2458A>C on transcript NM_015164.4 (MANE Select); coding-DNA position 2458, A replaced by C.
Protein change: p.Asn820His; replaces asparagine 820 with histidine.
Molecular consequence: missense variant.
Genome position (GRCh38, 1-based): chr1:15,731,250, A>C. VCF-style: chr1-15731250-A-C. GRCh37 (hg19) VCF-style: chr1-16057745-A-C.
Other names: short protein forms N820H.
Identifiers: ClinVar variation 478086 (VCV000478086.8), dbSNP rs534045338, ClinGen allele CA617249.
Genomic context (GRCh38, chr1:15,731,250, plus strand): 5'-AGCAACGGGATCCTCTACCAGTACCCGGACCGCACCGACGTCATCCCTCTGCTCTCGGTG[A>C]ACATGGGGTAAGTGTCCCGGGAGAAGCGGGTGTATCCTGGGGCCCAGAGCTGCCGTTTCC-3'
Protein context (NP_055979.2, residues 810-830): RTDVIPLLSV[Asn820His]MGGEQCGGCR

ClinVar aggregate classification (germline): Uncertain significance. Review status: criteria provided, multiple submitters, no conflicts (2 of 4 stars). 2 submissions from 2 submitters: Uncertain significance (2). Last evaluated 2025-08-04.

Allele frequency attached by ClinVar (database versions not stated): gnomAD 0.00001 and 0.00002; TOPMed 0.00005; ExAC 0.00007; gnomAD exomes 0.00008; 1000 Genomes Project 0.00040; 1000 Genomes Project 30x 0.00047.
gnomAD v4.1: 57 of 1,587,214 alleles (0.0036%); highest among the groups gnomAD compares: Middle Eastern, 0.033%; no homozygotes.

Submissions (2):

Ambry Genetics
Classification: Uncertain significance. Last evaluated: 2025-08-04. Review status: criteria provided, single submitter. Criteria: Ambry Variant Classification Scheme 2023. Collection method: clinical testing. Allele origin: germline.

Labcorp Genetics (formerly Invitae), Labcorp
Classification: Uncertain significance. Last evaluated: 2025-04-22. Review status: criteria provided, single submitter. Criteria: Invitae Variant Classification Sherloc (09022015). Collection method: clinical testing. Allele origin: germline.
Comment: This sequence change replaces asparagine, which is neutral and polar, with histidine, which is basic and polar, at codon 820 of the PLEKHM2 protein (p.Asn820His). This variant is present in population databases (rs534045338, gnomAD 0.03%). This variant has not been reported in the literature in individuals affected with PLEKHM2-related conditions. ClinVar contains an entry for this variant (Variation ID: 478086). An algorithm developed to predict the effect of missense changes on protein structure and function (PolyPhen-2) suggests that this variant is likely to be disruptive. In summary, the available evidence is currently insufficient to determine the role of this variant in disease. Therefore, it has been classified as a Variant of Uncertain Significance.